The following is an entry in ClinVar:

ClinVar aggregate classification (germline): Uncertain significance (1 of 4 stars; one submission).

Submission:

Labcorp Genetics (formerly Invitae), Labcorp
Classification: Uncertain significance. Last evaluated: 2022-05-21. Review status: criteria provided, single submitter. Criteria: Invitae Variant Classification Sherloc (09022015). Collection method: clinical testing. Allele origin: germline.
Comment: In summary, the available evidence is currently insufficient to determine the role of this variant in disease. Therefore, it has been classified as a Variant of Uncertain Significance. Algorithms developed to predict the effect of missense changes on protein structure and function are either unavailable or do not agree on the potential impact of this missense change (SIFT: "Deleterious"; PolyPhen-2: "Probably Damaging"; Align-GVGD: "Class C0"). This variant has not been reported in the literature in individuals affected with SNRNP200-related conditions. This variant is not present in population databases (gnomAD no frequency). This sequence change replaces leucine, which is neutral and non-polar, with valine, which is neutral and non-polar, at codon 1836 of the SNRNP200 protein (p.Leu1836Val).

NM_014014.5(SNRNP200):c.5506C>G (p.Leu1836Val)

Gene: SNRNP200 (small nuclear ribonucleoprotein U5 subunit 200; minus strand). Cytogenetic location: 2q11.2.
Variant type: single nucleotide variant.
Coding change: c.5506C>G on transcript NM_014014.5 (MANE Select); coding-DNA position 5506, C replaced by G.
Protein change: p.Leu1836Val; replaces leucine 1836 with valine.
Molecular consequence: missense variant.
Genome position (GRCh38, 1-based): chr2:96,278,341, G>C on the plus strand (C>G on the coding strand, the complement: SNRNP200 is on the minus strand). VCF-style: chr2-96278341-G-C. GRCh37 (hg19) VCF-style: chr2-96944079-G-C.
Other names: short protein forms L1836V.
Identifiers: ClinVar variation 1997373 (VCV001997373.4), dbSNP rs2467313087, ClinGen allele CA347659046.
Genomic context (GRCh38, chr2:96,278,341, plus strand): 5'-CATACTCTGCTGCATTGGAGATGATCTCGATAAGCCCTCGCACCTTGGTCTTGGCATTGA[G>C]GGACATGCTGAAGAGCTCTGACAGAAAAAGGAAATGTGAGAGAAGCTAAAACCAGGCAGA-3'
Protein context (NP_054733.2, residues 1826-1846): YTTIELFSMS[Leu1836Val]NAKTKVRGLI